The following is an entry in ClinVar:

NM_001378609.3(OTOGL):c.5047T>C (p.Cys1683Arg)

Gene: OTOGL (otogelin like; plus strand). Cytogenetic location: 12q21.31.
Variant type: single nucleotide variant.
Coding change: c.5047T>C on transcript NM_001378609.3 (MANE Select); coding-DNA position 5047, T replaced by C.
Protein change: p.Cys1683Arg; replaces cysteine 1683 with arginine.
Molecular consequence: missense variant.
Genome position (GRCh38, 1-based): chr12:80,339,261, T>C. VCF-style: chr12-80339261-T-C. GRCh37 (hg19) VCF-style: chr12-80733041-T-C.
Other names: c.4912T>C, p.Cys1638Arg (NM_001368062.3); c.5047T>C, p.Cys1683Arg (NM_001378610.3, NM_173591.7); short protein forms C1638R, C1683R.
Identifiers: ClinVar variation 3381596 (VCV003381596.1).
Genomic context (GRCh38, chr12:80,339,261, plus strand): 5'-GGAATCATAGACATTCATTTTGGCTTCCGATTTAACTTGTCATCCTACACAGAAGGACTC[T>C]GTGGTGAGCGCTGCCCTTCAAATCTTGATTTCGTCTGTTTTTTTTTTTTTTTTTTTTTTT-3'
Protein context (NP_001365538.2, residues 1673-1693): FNLSSYTEGL[Cys1683Arg]GICNEDPDDD

ClinVar aggregate classification (germline): Uncertain significance (1 of 4 stars; one submission).

gnomAD v4.1: 1 of 1,575,810 alleles (0.000063%); highest among the groups gnomAD compares: Admixed American, 0.0017%; no homozygotes.

Submission:

GeneDx
Classification: Uncertain significance. Last evaluated: 2024-05-20. Review status: criteria provided, single submitter. Criteria: GeneDx Variant Classification Process June 2021. Collection method: clinical testing. Allele origin: germline. Affected: yes.
Comment: Not observed at significant frequency in large population cohorts (gnomAD); In silico analysis supports that this missense variant has a deleterious effect on protein structure/function; Has not been previously published as pathogenic or benign to our knowledge